The following is an entry in ClinVar:

NM_001909.5(CTSD):c.827+5G>A

Gene: CTSD (cathepsin D; minus strand). Cytogenetic location: 11p15.5.
Variant type: single nucleotide variant.
Coding change: c.827+5G>A on transcript NM_001909.5 (MANE Select); 5 bases into the intron after coding-DNA position 827, G replaced by A.
Molecular consequence: intron variant.
Genome position (GRCh38, 1-based): chr11:1,754,901, C>T on the plus strand (G>A on the coding strand, the complement: CTSD is on the minus strand). VCF-style: chr11-1754901-C-T. GRCh37 (hg19) VCF-style: chr11-1776131-C-T.
Identifiers: ClinVar variation 1927138 (VCV001927138.2), dbSNP rs2493820290, ClinGen allele CA2580082683.

ClinVar aggregate classification (germline): Uncertain significance (1 of 4 stars; one submission).

Conditions:
Neuronal ceroid lipofuscinosis. Also called: Neuronal Ceroid Lipofuscinoses. Identifiers: Orphanet 216, Orphanet 79263, MedGen C0027877, MONDO:0016295. Disease mechanism: loss of function.

Submission:

Labcorp Genetics (formerly Invitae), Labcorp
Classification: Uncertain significance for Neuronal ceroid lipofuscinosis. Last evaluated: 2022-05-27. Review status: criteria provided, single submitter. Criteria: Invitae Variant Classification Sherloc (09022015). Collection method: clinical testing. Allele origin: germline.
Comment: This sequence change falls in intron 6 of the CTSD gene. It does not directly change the encoded amino acid sequence of the CTSD protein. It affects a nucleotide within the consensus splice site. This variant is not present in population databases (gnomAD no frequency). This variant has not been reported in the literature in individuals affected with CTSD-related conditions. Variants that disrupt the consensus splice site are a relatively common cause of aberrant splicing (PMID: 17576681, 9536098). Algorithms developed to predict the effect of sequence changes on RNA splicing suggest that this variant may disrupt the consensus splice site. In summary, the available evidence is currently insufficient to determine the role of this variant in disease. Therefore, it has been classified as a Variant of Uncertain Significance.

Literature cited by the submitters: PubMed 17576681; PubMed 9536098.